The following is an entry in ClinVar:

ClinVar aggregate classification (germline): Conflicting classifications of pathogenicity. Review status: criteria provided, conflicting classifications (1 of 4 stars). 3 submissions from 3 submitters: Likely pathogenic (1); Uncertain significance (2). Last evaluated 2026-03-25.

Conditions:
Pyruvate carboxylase deficiency. Also called: LEIGH NECROTIZING ENCEPHALOPATHY DUE TO PYRUVATE CARBOXYLASE DEFICIENCY; LEIGH SYNDROME DUE TO PYRUVATE CARBOXYLASE DEFICIENCY; Pyruvate Carboxylase Deficiency Disease; ATAXIA WITH LACTIC ACIDOSIS II; PC DEFICIENCY. Identifiers: Orphanet 3008, MedGen C0034341, MONDO:0009949, OMIM 266150.

Allele frequency attached by ClinVar (database versions not stated): gnomAD exomes below 0.00001; ExAC 0.00001; gnomAD 0.00002.
gnomAD v4.1: 4 of 1,613,510 alleles (0.00025%); highest among the groups gnomAD compares: African/African-American, 0.0013%; no homozygotes.

Submissions (3):

Myriad Genetics, Inc.
Classification: Uncertain significance for Pyruvate carboxylase deficiency. Last evaluated: 2026-03-25. Review status: criteria provided, single submitter. Criteria: Myriad Autosomal Dominant, Autosomal Recessive and X-Linked Classification Criteria (2023). Collection method: clinical testing. Allele origin: unknown.
Comment: NM_000920.3(PC):c.3242A>G(N1081S) is a missense variant classified as a variant of uncertain significance in the context of pyruvate carboxylase deficiency. N1081S has been observed in cases with relevant disease (PMID: 30870574, 37207470). Relevant functional assessments of this variant are not available in the literature. N1081S has been observed in referenced population frequency databases. In summary, there is insufficient evidence to classify NM_000920.3(PC):c.3242A>G(N1081S) as pathogenic or benign. Please note: this variant was assessed in the context of healthy population screening.

GeneDx
Classification: Uncertain significance. Last evaluated: 2025-12-11. Review status: criteria provided, single submitter. Criteria: GeneDx Variant Classification Process June 2021. Collection method: clinical testing. Allele origin: germline. Affected: yes.
Comment: Not observed at significant frequency in large population cohorts (gnomAD); In silico analysis supports that this missense variant has a deleterious effect on protein structure/function; This variant is associated with the following publications: (PMID: 37207470, 30870574)

Baylor Genetics
Classification: Likely pathogenic for Pyruvate carboxylase deficiency. Last evaluated: 2024-02-08. Review status: criteria provided, single submitter. Criteria: ACMG Guidelines, 2015. Collection method: clinical testing. Allele origin: unknown.

Literature cited by the submitters: PubMed 30870574 (cited by Myriad Genetics, Inc.); PubMed 37207470 (cited by Myriad Genetics, Inc.).

NM_001040716.2(PC):c.3242A>G (p.Asn1081Ser)

Gene: PC (pyruvate carboxylase; minus strand). Cytogenetic location: 11q13.2.
Variant type: single nucleotide variant.
Coding change: c.3242A>G on transcript NM_001040716.2 (MANE Select); coding-DNA position 3242, A replaced by G.
Protein change: p.Asn1081Ser; replaces asparagine 1081 with serine.
Molecular consequence: missense variant.
Genome position (GRCh38, 1-based): chr11:66,849,276, T>C on the plus strand (A>G on the coding strand, the complement: PC is on the minus strand). VCF-style: chr11-66849276-T-C. GRCh37 (hg19) VCF-style: chr11-66616747-T-C.
Other names: c.3242A>G, p.Asn1081Ser (NM_000920.4, NM_022172.3); short protein forms N1081S.
Identifiers: ClinVar variation 1197535 (VCV001197535.6), dbSNP rs745626388, ClinGen allele CA6130851.